The following is an entry in ClinVar:

ClinVar aggregate classification (germline): Uncertain significance (1 of 4 stars; one submission).

Conditions:
Hypertrophic cardiomyopathy. Also called: HYPERTROPHIC MYOCARDIOPATHY. Identifiers: Orphanet 217569, MedGen C0007194, MeSH D002312, MONDO:0005045, HP:0001639.

Submission:

Labcorp Genetics (formerly Invitae), Labcorp
Classification: Uncertain significance for Hypertrophic cardiomyopathy. Last evaluated: 2020-02-12. Review status: criteria provided, single submitter. Criteria: Invitae Variant Classification Sherloc (09022015). Collection method: clinical testing. Allele origin: germline.
Comment: This variant is a gross deletion of the genomic region encompassing exon 8 of the TNNI3 gene. The 5' boundary is likely confined to intron 7. The 3' end of this event is unknown as it extends through the termination codon beyond the assayed region for this gene and may encompass additional genes. While this deletion is not anticipated to result in nonsense mediated decay, it is expected to create a truncated protein product or disrupt mRNA translation. This variant has not been reported in the literature in individuals with TNNI3-related conditions. Experimental studies and prediction algorithms are not available or were not evaluated, and the functional significance of this variant is currently unknown. In summary, the available evidence is currently insufficient to determine the role of this variant in disease. Therefore, it has been classified as a Variant of Uncertain Significance.

NC_000019.10:g.(?_55140873)_(55151927_?)del

Genes: TNNI3 (troponin I3, cardiac type; minus strand), TNNT1 (troponin T1, slow skeletal type; minus strand). Cytogenetic location: 19q13.42.
Variant type: Deletion.
Identifiers: ClinVar variation 830474 (VCV000830474.2).